The following is an entry in ClinVar:

NM_000059.4(BRCA2):c.5455C>T (p.Pro1819Ser)

Gene: BRCA2 (BRCA2 DNA repair associated; plus strand). Cytogenetic location: 13q13.1.
Variant type: single nucleotide variant.
Coding change: c.5455C>T on transcript NM_000059.4 (MANE Select); coding-DNA position 5455, C replaced by T.
Protein change: p.Pro1819Ser; replaces proline 1819 with serine.
Molecular consequence: missense variant.
Genome position (GRCh38, 1-based): chr13:32,339,810, C>T. VCF-style: chr13-32339810-C-T. GRCh37 (hg19) VCF-style: chr13-32913947-C-T.
Other names: p.P1819S:CCC>TCC; 5683C>T; short protein forms P1819S.
Identifiers: ClinVar variation 51865 (VCV000051865.77), dbSNP rs80358768, ClinGen allele CA022350.
Genomic context (GRCh38, chr13:32,339,810, plus strand): 5'-GCATACCCACAAACTGTAAATGAAGATATTTGCGTTGAGGAACTTGTGACTAGCTCTTCA[C>T]CCTGCAAAAATAAAAATGCAGCCATTAAATTGTCCATATCTAATAGTAATAATTTTGAGG-3'
Protein context (NP_000050.3, residues 1809-1829): CVEELVTSSS[Pro1819Ser]CKNKNAAIKL

ClinVar aggregate classification (germline): Benign. Review status: reviewed by expert panel (3 of 4 stars). 24 submissions from 22 submitters: Benign (1). 23 of the submissions do not count toward it. Last evaluated 2015-08-10.

Conditions:
Hereditary cancer-predisposing syndrome. Also called: Hereditary Cancer Syndrome; Tumor predisposition; Neoplastic Syndromes, Hereditary; Hereditary neoplastic syndrome. Identifiers: Orphanet 140162, MedGen C0027672, MeSH D009386, MONDO:0015356.
Breast and/or ovarian cancer. Identifiers: MedGen CN221562.
Hereditary breast ovarian cancer syndrome. Also called: Breast and ovarian cancer; BRCA1- and BRCA2-Associated Hereditary Breast and Ovarian Cancer; Hereditary breast and ovarian cancer; Hereditary breast and ovarian cancer syndrome (HBOC); Hereditary breast and ovarian cancer syndrome; Hereditary breast and/or ovarian cancer syndrome. Identifiers: Orphanet 145, MedGen C0677776, MeSH D061325, MONDO:0003582. Disease mechanism: loss of function.
Breast-ovarian cancer, familial, susceptibility to, 2 (BROVCA2). Also called: BRCA2 Hereditary Breast and Ovarian Cancer. Identifiers: Orphanet 145, MedGen C2675520, MONDO:0012933, OMIM 612555. Disease mechanism: loss of function.
Fanconi anemia complementation group D1. Also called: BRCA2-Related Fanconi Anemia. Identifiers: Orphanet 319462, MedGen C1838457, MONDO:0011584, OMIM 605724.
Familial cancer of breast. Also called: BREAST CANCER, FAMILIAL; hereditary breast carcinoma; Hereditary breast cancer. Identifiers: Orphanet 227535, MedGen C0346153, MONDO:0016419, OMIM 114480. Disease mechanism: loss of function.
Breast carcinoma. Also called: Carcinoma of breast. Identifiers: MedGen C0678222, MONDO:0004989, HP:0003002.

Allele frequency attached by ClinVar (database versions not stated): ESP Exome Variant Server 0.00008; gnomAD 0.00009; TOPMed 0.00011; gnomAD exomes 0.00012.
gnomAD v4.1: 186 of 1,613,682 alleles (0.012%); highest among the groups gnomAD compares: Non-Finnish European, 0.011%; no homozygotes.

Submissions 1 to 20 of 24:

Evidence-based Network for the Interpretation of Germline Mutant Alleles (ENIGMA)
Classification: Benign for Breast-ovarian cancer, familial 2. Last evaluated: 2015-08-10. Review status: reviewed by expert panel. Criteria: ENIGMA BRCA1/2 Classification Criteria (2015). Collection method: curation. Allele origin: germline.
Comment: IARC class based on posterior probability from multifactorial likelihood analysis, thresholds for class as per Plon et al. 2008 (PMID: 18951446). Class 1 based on posterior probability = 0.00000012

CeGaT Center for Human Genetics Tuebingen
Classification: Likely benign. Last evaluated: 2026-03-01. Review status: criteria provided, single submitter. Criteria: CeGaT Center For Human Genetics Tuebingen Variant Classification Criteria Version 2. Collection method: clinical testing. Allele origin: germline. Affected: yes. Observed: 5 variant alleles. Not counted in ClinVar's aggregate classification.
Comment: BRCA2: BP4

Labcorp Genetics (formerly Invitae), Labcorp
Classification: Benign for Hereditary breast ovarian cancer syndrome. Last evaluated: 2026-02-04. Review status: criteria provided, single submitter. Criteria: Invitae Variant Classification Sherloc (09022015). Collection method: clinical testing. Allele origin: germline. Not counted in ClinVar's aggregate classification.

ARUP Laboratories, Molecular Genetics and Genomics, ARUP Laboratories
Classification: Benign. Last evaluated: 2025-07-18. Review status: criteria provided, single submitter. Criteria: ARUP Molecular Germline Variant Investigation Process 2024. Collection method: clinical testing. Allele origin: germline. Not counted in ClinVar's aggregate classification.

Center for Genomic Medicine, Rigshospitalet, Copenhagen University Hospital
Classification: Benign. Last evaluated: 2025-03-04. Review status: criteria provided, single submitter. Criteria: ACMG Guidelines, 2015. Collection method: clinical testing. Allele origin: germline. Not counted in ClinVar's aggregate classification.

KCCC/NGS Laboratory, Kuwait Cancer Control Center
Classification: Benign for Familial cancer of breast. Last evaluated: 2025-02-01. Review status: criteria provided, single submitter. Criteria: ACMG Guidelines, 2015. Collection method: clinical testing. Allele origin: germline. Affected: no. Not counted in ClinVar's aggregate classification.

Blueprint Genetics
Classification: Likely benign. Last evaluated: 2024-11-05. Review status: criteria provided, single submitter. Criteria: ACMG Guidelines, 2015. Collection method: clinical testing. Allele origin: germline. Not counted in ClinVar's aggregate classification.

Institute for Biomarker Research, Medical Diagnostic Laboratories, L.L.C.
Classification: Benign for Hereditary breast ovarian cancer syndrome. Last evaluated: 2023-11-06. Review status: criteria provided, single submitter. Criteria: ACMG Guidelines, 2015. Collection method: clinical testing. Allele origin: germline. Not counted in ClinVar's aggregate classification.

CHEO Genetics Diagnostic Laboratory, Children's Hospital of Eastern Ontario
Classification: Likely benign for Breast and/or ovarian cancer. Last evaluated: 2022-07-29. Review status: criteria provided, single submitter. Criteria: ACMG Guidelines, 2015. Collection method: clinical testing. Allele origin: germline. Not counted in ClinVar's aggregate classification.

Laboratorio de Genetica e Diagnostico Molecular, Hospital Israelita Albert Einstein
Classification: Benign. Last evaluated: 2022-03-24. Review status: criteria provided, single submitter. Criteria: ACMG Guidelines, 2015. Collection method: clinical testing. Allele origin: germline. Affected: yes. Not counted in ClinVar's aggregate classification.
Comment: ACMG classification criteria: BS1, BS2, BP4

GeneDx
Classification: Likely benign. Last evaluated: 2020-09-08. Review status: criteria provided, single submitter. Criteria: GeneDx Variant Classification Process June 2021. Collection method: clinical testing. Allele origin: germline. Affected: yes. Not counted in ClinVar's aggregate classification.
Comment: This variant is associated with the following publications: (PMID: 17924331, 24323938, 20589654, 11556836, 21990134, 26182991, 28324225, 28525389, 26119842, 18824701)

Sema4
Classification: Benign for Hereditary cancer-predisposing syndrome. Last evaluated: 2020-06-03. Review status: criteria provided, single submitter. Criteria: Sema4 Curation Guidelines. Collection method: curation. Allele origin: germline. Not counted in ClinVar's aggregate classification.

Genetic Services Laboratory, University of Chicago
Classification: Likely benign. Last evaluated: 2019-08-21. Review status: criteria provided, single submitter. Criteria: ACMG Guidelines, 2015. Collection method: clinical testing. Allele origin: germline. Affected: no. Not counted in ClinVar's aggregate classification.

Institute for Biomarker Research, Medical Diagnostic Laboratories, L.L.C.
Classification: Likely benign for Hereditary cancer-predisposing syndrome. Last evaluated: 2018-05-23. Review status: criteria provided, single submitter. Criteria: ACMG Guidelines, 2015. Collection method: clinical testing. Allele origin: germline. Not counted in ClinVar's aggregate classification.

Illumina Laboratory Services, Illumina
Classification: Uncertain significance for Fanconi anemia complementation group D1. Last evaluated: 2017-06-07. Review status: criteria provided, single submitter. Criteria: ICSL Variant Classification Criteria 13 December 2019. Collection method: clinical testing. Allele origin: germline. Not counted in ClinVar's aggregate classification.

Illumina Laboratory Services, Illumina
Classification: Likely benign for Breast-ovarian cancer, familial, susceptibility to, 2. Last evaluated: 2017-06-07. Review status: criteria provided, single submitter. Criteria: ICSL Variant Classification Criteria 13 December 2019. Collection method: clinical testing. Allele origin: germline. Not counted in ClinVar's aggregate classification.
Comment: This variant was observed as part of a predisposition screen in an ostensibly healthy population. A literature search was performed for the gene, cDNA change, and amino acid change (where applicable). No publications were found based on this search. Allele frequency data from public databases allowed determination this variant is unlikely to cause disease. Therefore, this variant is classified as likely benign.

Women's Health and Genetics/Laboratory Corporation of America, LabCorp
Classification: Benign. Last evaluated: 2016-06-22. Review status: criteria provided, single submitter. Criteria: LabCorp Variant Classification Summary - May 2015. Collection method: clinical testing. Allele origin: germline. Not counted in ClinVar's aggregate classification.
Comment: Variant summary: The BRCA2 c.5455C>T (p.Pro1819Ser) variant involves the alteration of a non-conserved nucleotide. 3/5 in silico tools predict a benign outcome for this variant. A multifactorial probability based model showed this variant is neutral (Lindor_2012). This variant was found in 23/121138 control chromosomes at a frequency of 0.0001899, which does not exceed the estimated maximal expected allele frequency of a pathogenic BRCA2 variant (0.0007503). This variant has been found in numerous individuals who also carry a pathogenic BRCA variant, suggesting this variant is unlikely to associate with the disease. In addition, multiple clinical diagnostic laboratories/reputable databases classified this variant as benign. Taken together, this variant is classified as benign.

Centre for Mendelian Genomics, University Medical Centre Ljubljana
Classification: Likely benign for Breast carcinoma. Last evaluated: 2015-09-21. Review status: criteria provided, single submitter. Criteria: ACMG Guidelines, 2015. Collection method: clinical testing. Allele origin: unknown. Affected: yes. Not counted in ClinVar's aggregate classification.

Color Diagnostics, LLC DBA Color Health
Classification: Likely benign for Hereditary cancer-predisposing syndrome. Last evaluated: 2015-07-29. Review status: criteria provided, single submitter. Criteria: ACMG Guidelines, 2015. Collection method: clinical testing. Allele origin: germline. Not counted in ClinVar's aggregate classification.

Ambry Genetics
Classification: Benign for Hereditary cancer-predisposing syndrome. Last evaluated: 2014-11-19. Review status: criteria provided, single submitter. Criteria: Ambry Variant Classification Scheme 2023. Collection method: clinical testing. Allele origin: germline. Not counted in ClinVar's aggregate classification.